The following is an entry in ClinVar:

ClinVar aggregate classification (germline): Uncertain significance (1 of 4 stars; one submission).

Conditions:
GNAS-related disorder. Identifiers: MedGen CN380105.

Submission:

PreventionGenetics, part of Exact Sciences
Classification: Uncertain significance for GNAS-related condition. Last evaluated: 2025-12-01. Review status: criteria provided, single submitter. Criteria: ACMG Guidelines, 2015. Collection method: clinical testing. Allele origin: germline.
Comment: The GNAS c.194T>C variant is predicted to result in the amino acid substitution p.Leu65Pro. To our knowledge, this variant has not been reported in the literature or in a large population database (gnomAD), indicating this variant is rare. At this time, the clinical significance of this variant is uncertain due to the absence of conclusive functional and genetic evidence.

NM_016592.5(GNAS):c.194T>C (p.Leu65Pro)

Genes: GNAS (GNAS complex locus; plus strand), GNAS-AS1 (GNAS antisense RNA 1; minus strand). Cytogenetic location: 20q13.32.
Variant type: single nucleotide variant.
Coding change: c.194T>C on transcript NM_016592.5 (MANE Plus Clinical); coding-DNA position 194, T replaced by C.
Protein change: p.Leu65Pro; replaces leucine 65 with proline.
Molecular consequence: missense variant. On other transcripts: 5 prime UTR variant (1).
Genome position (GRCh38, 1-based): chr20:58,840,300, T>C. VCF-style: chr20-58840300-T-C. GRCh37 (hg19) VCF-style: chr20-57415355-T-C.
Other names: c.-544T>C (NM_001410912.1); short protein forms L65P.
Identifiers: ClinVar variation 4993513 (VCV004993513.1).